The following is an entry in ClinVar:

NM_139343.3(BIN1):c.84+236G>T

Gene: BIN1 (bridging integrator 1; minus strand). Cytogenetic location: 2q14.3.
Variant type: single nucleotide variant.
Coding change: c.84+236G>T on transcript NM_139343.3 (MANE Select); 236 bases into the intron after coding-DNA position 84, G replaced by T.
Molecular consequence: intron variant.
Genome position (GRCh38, 1-based): chr2:127,106,624, C>A on the plus strand (G>T on the coding strand, the complement: BIN1 is on the minus strand). VCF-style: chr2-127106624-C-A. GRCh37 (hg19) VCF-style: chr2-127864200-C-A.
Other names: c.84+236G>T (NM_139351.3, NM_139350.3, NM_139349.3 and 10 more transcripts).
Identifiers: ClinVar variation 680091 (VCV000680091.2), dbSNP rs2276574, ClinGen allele CA11082111.

ClinVar aggregate classification (germline): Benign. Review status: criteria provided, multiple submitters, no conflicts (2 of 4 stars). 2 submissions from 2 submitters: Benign (2). Last evaluated 2018-06-19.

Allele frequency attached by ClinVar (database versions not stated): TOPMed 0.11391; gnomAD 0.12232 and 0.12769; 1000 Genomes Project 30x 0.12289; 1000 Genomes Project 0.12560.
gnomAD v4.1: 19,445 of 152,162 alleles (13%); highest among the groups gnomAD compares: South Asian, 26%; 1,514 homozygotes.

Submissions (2):

GeneDx
Classification: Benign. Last evaluated: 2018-06-19. Review status: criteria provided, single submitter. Criteria: GeneDx Variant Classification (06012015). Collection method: clinical testing. Allele origin: germline. Affected: yes.
Comment: This variant is considered likely benign or benign based on one or more of the following criteria: it is a conservative change, it occurs at a poorly conserved position in the protein, it is predicted to be benign by multiple in silico algorithms, and/or has population frequency not consistent with disease.

Breakthrough Genomics
Classification: Benign. Review status: criteria provided, single submitter. Criteria: ACMG Guidelines, 2015. Collection method: not provided. Allele origin: germline. Inheritance: Autosomal recessive inheritance. Affected: yes.